The following is an entry in ClinVar:

NM_025137.4(SPG11):c.2386G>C (p.Val796Leu)

Gene: SPG11 (SPG11 vesicle trafficking associated, spatacsin; minus strand). Cytogenetic location: 15q21.1.
Variant type: single nucleotide variant.
Coding change: c.2386G>C on transcript NM_025137.4 (MANE Select); coding-DNA position 2386, G replaced by C.
Protein change: p.Val796Leu; replaces valine 796 with leucine.
Molecular consequence: missense variant.
Genome position (GRCh38, 1-based): chr15:44,622,278, C>G on the plus strand (G>C on the coding strand, the complement: SPG11 is on the minus strand). VCF-style: chr15-44622278-C-G. GRCh37 (hg19) VCF-style: chr15-44914476-C-G.
Other names: c.2386G>C, p.Val796Leu (NM_001160227.2, NM_001411132.1); short protein forms V796L.
Identifiers: ClinVar variation 1896176 (VCV001896176.2), dbSNP rs375729291, ClinGen allele CA7535260.

ClinVar aggregate classification (germline): Uncertain significance (1 of 4 stars; one submission).

Conditions:
Hereditary spastic paraplegia 11. Also called: SPASTIC PARAPLEGIA, AUTOSOMAL RECESSIVE, COMPLICATED, WITH THIN CORPUS CALLOSUM; SPASTIC PARAPLEGIA, AUTOSOMAL RECESSIVE, WITH MENTAL IMPAIRMENT AND THIN CORPUS CALLOSUM; Spastic paraplegia, mental retardation and thin corpus callosum; Spastic Paraplegia 11; Nakamura Osame syndrome; Autosomal recessive hereditary spastic paraplegia, mental impairment, and thin corpus callosum. Identifiers: Orphanet 2822, MedGen C1858479, MONDO:0011445, OMIM 604360.

Allele frequency attached by ClinVar (database versions not stated): ESP Exome Variant Server 0.00008.
gnomAD v4.1: 28 of 1,604,512 alleles (0.0017%); highest among the groups gnomAD compares: Non-Finnish European, 0.0023%; no homozygotes.

Submission:

Labcorp Genetics (formerly Invitae), Labcorp
Classification: Uncertain significance for Hereditary spastic paraplegia 11. Last evaluated: 2022-05-11. Review status: criteria provided, single submitter. Criteria: Invitae Variant Classification Sherloc (09022015). Collection method: clinical testing. Allele origin: germline.
Comment: This sequence change replaces valine, which is neutral and non-polar, with leucine, which is neutral and non-polar, at codon 796 of the SPG11 protein (p.Val796Leu). This variant is present in population databases (rs375729291, gnomAD 0.002%). This variant has not been reported in the literature in individuals affected with SPG11-related conditions. Algorithms developed to predict the effect of missense changes on protein structure and function (SIFT, PolyPhen-2, Align-GVGD) all suggest that this variant is likely to be tolerated. In summary, the available evidence is currently insufficient to determine the role of this variant in disease. Therefore, it has been classified as a Variant of Uncertain Significance.